The following is an entry in ClinVar:

NM_181426.2(CCDC39):c.816G>T (p.Glu272Asp)

Gene: CCDC39 (coiled-coil domain 39 molecular ruler complex subunit; minus strand). Cytogenetic location: 3q26.33.
Variant type: single nucleotide variant.
Coding change: c.816G>T on transcript NM_181426.2 (MANE Select); coding-DNA position 816, G replaced by T.
Protein change: p.Glu272Asp; replaces glutamic acid 272 with aspartic acid.
Molecular consequence: missense variant.
Genome position (GRCh38, 1-based): chr3:180,654,876, C>A on the plus strand (G>T on the coding strand, the complement: CCDC39 is on the minus strand). VCF-style: chr3-180654876-C-A. GRCh37 (hg19) VCF-style: chr3-180372664-C-A.
Other names: short protein forms E272D.
Identifiers: ClinVar variation 944494 (VCV000944494.8), dbSNP rs775659100, ClinGen allele CA2716075.
Genomic context (GRCh38, chr3:180,654,876, plus strand): 5'-TTTTAAAAGTTTACGATCAGCCACAGAAATTCTTTTCTCAAACTCTGTGTTATTCCCAAT[C>A]TCACTTTCCAAAAACTTGATCTTTTCTTTAACCAAATTTTCTTTTTCTCTCGTTTCCTGC-3'
Protein context (NP_852091.1, residues 262-282): VKEKIKFLES[Glu272Asp]IGNNTEFEKR

ClinVar aggregate classification (germline): Uncertain significance. Review status: criteria provided, multiple submitters, no conflicts (2 of 4 stars). 2 submissions from 2 submitters: Uncertain significance (2). Last evaluated 2025-05-18.

Conditions:
Primary ciliary dyskinesia. Also called: Ciliary dyskinesia. Identifiers: Orphanet 244, MedGen C0008780, MONDO:0016575, HP:0012265.

Allele frequency attached by ClinVar (database versions not stated): gnomAD 0.00003 and 0.00004; TOPMed 0.00005; ExAC 0.00002.
gnomAD v4.1: 47 of 1,596,820 alleles (0.0029%); highest among the groups gnomAD compares: Non-Finnish European, 0.004%; no homozygotes.

Submissions (2):

Ambry Genetics
Classification: Uncertain significance for Primary ciliary dyskinesia. Last evaluated: 2025-05-18. Review status: criteria provided, single submitter. Criteria: Ambry Variant Classification Scheme 2023. Collection method: clinical testing. Allele origin: germline.

Labcorp Genetics (formerly Invitae), Labcorp
Classification: Uncertain significance for Primary ciliary dyskinesia. Last evaluated: 2021-08-31. Review status: criteria provided, single submitter. Criteria: Invitae Variant Classification Sherloc (09022015). Collection method: clinical testing. Allele origin: germline.
Comment: This sequence change replaces glutamic acid with aspartic acid at codon 272 of the CCDC39 protein (p.Glu272Asp). The glutamic acid residue is moderately conserved and there is a small physicochemical difference between glutamic acid and aspartic acid. This variant is present in population databases (rs775659100, ExAC 0.004%). This variant has not been reported in the literature in individuals affected with CCDC39-related conditions. Algorithms developed to predict the effect of missense changes on protein structure and function are either unavailable or do not agree on the potential impact of this missense change (SIFT: "Tolerated"; PolyPhen-2: "Probably Damaging"; Align-GVGD: "Class C0"). In summary, the available evidence is currently insufficient to determine the role of this variant in disease. Therefore, it has been classified as a Variant of Uncertain Significance.